The following is an entry in ClinVar:

NM_001081.4(CUBN):c.6297_6298insT (p.Arg2100Ter)

Gene: CUBN (cubilin; minus strand). Cytogenetic location: 10p13.
Variant type: Insertion.
Coding change: c.6297_6298insT on transcript NM_001081.4 (MANE Select); coding-DNA positions 6297 to 6298, T inserted.
Protein change: p.Arg2100Ter; replaces arginine 2100 with a stop codon.
Molecular consequence: nonsense.
Genome position: GRCh38 VCF-style: chr10-16925748-T-TA. GRCh37 (hg19) VCF-style: chr10-16967747-T-TA.
Other names: short protein forms R2100*.
Identifiers: ClinVar variation 3235995 (VCV003235995.1), dbSNP rs2491477929, ClinGen allele CA2825001666.

ClinVar aggregate classification (germline): Pathogenic (1 of 4 stars; one submission).

Conditions:
Imerslund-Grasbeck syndrome type 1 (IGS1). Also called: Megaloblastic anemia 1, Finnish type; MEGALOBLASTIC ANEMIA, 1; Imerslund-Gräsbeck syndrome 1. Identifiers: MedGen C4016819, MONDO:0100156, OMIM 261100.

Submission:

MVZ Medizinische Genetik Mainz
Classification: Pathogenic for Imerslund-Grasbeck syndrome type 1. Last evaluated: 2023-03-23. Review status: criteria provided, single submitter. Criteria: UK Practice Guidelines For Variant Classification V4 01 2020. Collection method: clinical testing. Allele origin: germline. Inheritance: Autosomal recessive inheritance. Affected: yes. Observed: 1 variant allele.
Comment: ACMG Criteria: PVS1,PM2_SUP,PM3_SUP